The following is an entry in ClinVar:

NM_004336.5(BUB1):c.2773C>G (p.Leu925Val)

Gene: BUB1 (BUB1 mitotic checkpoint serine/threonine kinase; minus strand). Cytogenetic location: 2q13.
Variant type: single nucleotide variant.
Coding change: c.2773C>G on transcript NM_004336.5 (MANE Select); coding-DNA position 2773, C replaced by G.
Protein change: p.Leu925Val; replaces leucine 925 with valine.
Molecular consequence: missense variant. On other transcripts: intron variant (1).
Genome position (GRCh38, 1-based): chr2:110,641,317, G>C on the plus strand (C>G on the coding strand, the complement: BUB1 is on the minus strand). VCF-style: chr2-110641317-G-C. GRCh37 (hg19) VCF-style: chr2-111398894-G-C.
Other names: c.2713C>G, p.Leu905Val (NM_001278616.2); c.2626-125C>G (NM_001278617.2); short protein forms L905V, L925V.
Identifiers: ClinVar variation 3224063 (VCV003224063.1), dbSNP rs2467970985, ClinGen allele CA348089385.

ClinVar aggregate classification (germline): Uncertain significance (1 of 4 stars; one submission).

Submission:

Ambry Genetics
Classification: Uncertain significance. Last evaluated: 2024-02-28. Review status: criteria provided, single submitter. Criteria: Ambry Variant Classification Scheme 2023. Collection method: clinical testing. Allele origin: germline.
Comment: The p.L925V variant (also known as c.2773C>G), located in coding exon 22 of the BUB1 gene, results from a C to G substitution at nucleotide position 2773. The leucine at codon 925 is replaced by valine, an amino acid with highly similar properties. This amino acid position is conserved. In addition, this alteration is predicted to be tolerated by in silico analysis. Based on the available evidence, the clinical significance of this alteration remains unclear.